The following is an entry in ClinVar:

ClinVar aggregate classification (germline): Uncertain significance (1 of 4 stars; one submission).

Conditions:
Inborn genetic diseases. Identifiers: MedGen C0950123, MeSH D030342.

Submission:

Ambry Genetics
Classification: Uncertain significance for Inborn genetic diseases. Last evaluated: 2021-07-13. Review status: criteria provided, single submitter. Criteria: Ambry Variant Classification Scheme 2023. Collection method: clinical testing. Allele origin: germline.
Comment: The c.862_863delGGinsTC (p.G288S) alteration, located in exon 6 (coding exon 6) of the VLDLR gene, consists of an in-frame substitution of 2 nucleotides from position 862 to 863, causing the glycine (G) at amino acid position 288 to be replaced by a serine (S). Based on insufficient or conflicting evidence, the clinical significance of this alteration remains unclear.

NM_003383.5(VLDLR):c.862_863delinsTC (p.Gly288Ser)

Gene: VLDLR (very low density lipoprotein receptor; plus strand). Cytogenetic location: 9p24.2.
Variant type: Indel.
Coding change: c.862_863delinsTC on transcript NM_003383.5 (MANE Select); coding-DNA positions 862 to 863, GG replaced by TC.
Protein change: p.Gly288Ser; replaces glycine 288 with serine.
Molecular consequence: missense variant.
Genome position (GRCh38, 1-based): chr9:2,643,669-2,643,670, GG replaced by TC. VCF-style: chr9-2643669-GG-TC. GRCh37 (hg19) VCF-style: chr9-2643669-GG-TC.
Other names: c.862_863delinsTC, p.Gly288Ser (NM_001018056.3); c.739_740delinsTC, p.Gly247Ser (NM_001322225.2, NM_001322226.2); short protein forms G288S, G247S.
Identifiers: ClinVar variation 2234564 (VCV002234564.2), dbSNP rs2488725120, ClinGen allele CA2580080196.
Genomic context (GRCh38, chr9:2,643,669, plus strand): 5'-GTGTTTCCTCCCTTTGTAGCCTCTCGAACTTGCCGACCTGACCAATTTGAATGTGAGGAT[GG>TC]CAGCTGCATCCATGGCAGCAGGCAGTGTAATGGTATCCGAGACTGTGTCGATGGTTCCGA-3'
Protein context (NP_003374.3, residues 278-298): CRPDQFECED[Gly288Ser]SCIHGSRQCN